The following is an entry in ClinVar:

ClinVar aggregate classification (germline): Uncertain significance (1 of 4 stars; one submission).

Conditions:
PLXNA3-related disorder. Also called: PLXNA3-related condition.

gnomAD v4.1: 14 of 1,209,637 alleles (0.0012%); highest among the groups gnomAD compares: South Asian, 0.016%; no homozygotes.

Submission:

PreventionGenetics, part of Exact Sciences
Classification: Uncertain significance for PLXNA3-related condition. Last evaluated: 2025-05-28. Review status: criteria provided, single submitter. Criteria: ACMG Guidelines, 2015. Collection method: clinical testing. Allele origin: germline.
Comment: The PLXNA3 c.5134C>T variant is predicted to result in the amino acid substitution p.Arg1712Cys. To our knowledge, this variant has not been reported in the literature. This variant is reported in 0.0053% of alleles in individuals of South Asian descent in gnomAD. At this time, the clinical significance of this variant is uncertain due to the absence of conclusive functional and genetic evidence.

NM_017514.5(PLXNA3):c.5134C>T (p.Arg1712Cys)

Gene: PLXNA3 (plexin A3; plus strand). Cytogenetic location: Xq28.
Variant type: single nucleotide variant.
Coding change: c.5134C>T on transcript NM_017514.5 (MANE Select); coding-DNA position 5134, C replaced by T.
Protein change: p.Arg1712Cys; replaces arginine 1712 with cysteine.
Molecular consequence: missense variant.
Genome position (GRCh38, 1-based): chrX:154,470,589, C>T. VCF-style: chrX-154470589-C-T. GRCh37 (hg19) VCF-style: chrX-153698932-C-T.
Other names: short protein forms R1712C.
Identifiers: ClinVar variation 4984010 (VCV004984010.1).